The following is an entry in ClinVar:

NM_000548.5(TSC2):c.4751T>C (p.Leu1584Pro)

Gene: TSC2 (TSC complex subunit 2; plus strand). Cytogenetic location: 16p13.3.
Variant type: single nucleotide variant.
Coding change: c.4751T>C on transcript NM_000548.5 (MANE Select); coding-DNA position 4751, T replaced by C.
Protein change: p.Leu1584Pro; replaces leucine 1584 with proline.
Molecular consequence: missense variant.
Genome position (GRCh38, 1-based): chr16:2,086,281, T>C. VCF-style: chr16-2086281-T-C. GRCh37 (hg19) VCF-style: chr16-2136282-T-C.
Other names: c.4550T>C, p.Leu1517Pro (NM_001077183.3); c.4682T>C, p.Leu1561Pro (NM_001114382.3); c.4442T>C, p.Leu1481Pro (NM_001318827.2); c.4406T>C, p.Leu1469Pro (NM_001318829.2); c.4019T>C, p.Leu1340Pro (NM_001318831.2); c.4583T>C, p.Leu1528Pro (NM_001318832.2); c.4553T>C, p.Leu1518Pro (NM_001363528.2); c.4619T>C, p.Leu1540Pro (NM_001370404.1); and 1 more; short protein forms L1340P, L1469P, L1481P, L1517P, L1518P, L1528P, L1540P, L1541P.
Identifiers: ClinVar variation 1052460 (VCV001052460.9), dbSNP rs137854203, ClinGen allele CA394307754.

ClinVar aggregate classification (germline): Uncertain significance (1 of 4 stars; one submission).

Conditions:
Tuberous sclerosis 2 (TSC2). Identifiers: Orphanet 805, MedGen C1860707, MONDO:0013199, OMIM 613254.

Submission:

Labcorp Genetics (formerly Invitae), Labcorp
Classification: Uncertain significance for Tuberous sclerosis 2. Last evaluated: 2020-03-01. Review status: criteria provided, single submitter. Criteria: Invitae Variant Classification Sherloc (09022015). Collection method: clinical testing. Allele origin: germline.
Comment: In summary, the available evidence is currently insufficient to determine the role of this variant in disease. Therefore, it has been classified as a Variant of Uncertain Significance. Algorithms developed to predict the effect of missense changes on protein structure and function are either unavailable or do not agree on the potential impact of this missense change (SIFT: "Deleterious"; PolyPhen-2: "Probably Damaging"; Align-GVGD: "Class C0"). This variant has not been reported in the literature in individuals with TSC2-related conditions. This variant is not present in population databases (ExAC no frequency). This sequence change replaces leucine with proline at codon 1584 of the TSC2 protein (p.Leu1584Pro). The leucine residue is highly conserved and there is a moderate physicochemical difference between leucine and proline.